The following is an entry in ClinVar:

ClinVar aggregate classification (germline): Uncertain significance. Review status: criteria provided, multiple submitters, no conflicts (2 of 4 stars). 2 submissions from 2 submitters: Uncertain significance (2). Last evaluated 2025-11-03.

Submissions (2):

Labcorp Genetics (formerly Invitae), Labcorp
Classification: Uncertain significance. Last evaluated: 2025-11-03. Review status: criteria provided, single submitter. Criteria: Invitae Variant Classification Sherloc (09022015). Collection method: clinical testing. Allele origin: germline.
Comment: This sequence change replaces isoleucine, which is neutral and non-polar, with serine, which is neutral and polar, at codon 384 of the SRP72 protein (p.Ile384Ser). This variant is not present in population databases (gnomAD no frequency). This variant has not been reported in the literature in individuals affected with SRP72-related conditions. Invitae Evidence Modeling of protein sequence and biophysical properties (such as structural, functional, and spatial information, amino acid conservation, physicochemical variation, residue mobility, and thermodynamic stability) indicates that this missense variant is not expected to disrupt SRP72 protein function with a negative predictive value of 80%. In summary, the available evidence is currently insufficient to determine the role of this variant in disease. Therefore, it has been classified as a Variant of Uncertain Significance.

Ambry Genetics
Classification: Uncertain significance. Last evaluated: 2025-10-25. Review status: criteria provided, single submitter. Criteria: Ambry Variant Classification Scheme 2023. Collection method: clinical testing. Allele origin: germline.
Comment: The p.I384S variant (also known as c.1151T>G), located in coding exon 11 of the SRP72 gene, results from a T to G substitution at nucleotide position 1151. The isoleucine at codon 384 is replaced by serine, an amino acid with dissimilar properties. This amino acid position is conserved. In addition, this alteration is predicted to be tolerated by in silico analysis. Based on the available evidence, the clinical significance of this variant remains unclear.

NM_006947.4(SRP72):c.1151T>G (p.Ile384Ser)

Gene: SRP72 (signal recognition particle 72; plus strand). Cytogenetic location: 4q12.
Variant type: single nucleotide variant.
Coding change: c.1151T>G on transcript NM_006947.4 (MANE Select); coding-DNA position 1151, T replaced by G.
Protein change: p.Ile384Ser; replaces isoleucine 384 with serine.
Molecular consequence: missense variant. On other transcripts: non-coding transcript variant (1).
Genome position (GRCh38, 1-based): chr4:56,486,389, T>G. VCF-style: chr4-56486389-T-G. GRCh37 (hg19) VCF-style: chr4-57352555-T-G.
Other names: c.968T>G, p.Ile323Ser (NM_001267722.2); short protein forms I323S, I384S.
Identifiers: ClinVar variation 4589609 (VCV004589609.2).